The following is an entry in ClinVar:

NM_000363.5(TNNI3):c.52C>A (p.Pro18Thr)

Gene: TNNI3 (troponin I3, cardiac type; minus strand). Cytogenetic location: 19q13.42.
Variant type: single nucleotide variant.
Coding change: c.52C>A on transcript NM_000363.5 (MANE Select); coding-DNA position 52, C replaced by A.
Protein change: p.Pro18Thr; replaces proline 18 with threonine.
Molecular consequence: missense variant.
Genome position (GRCh38, 1-based): chr19:55,157,106, G>T on the plus strand (C>A on the coding strand, the complement: TNNI3 is on the minus strand). VCF-style: chr19-55157106-G-T. GRCh37 (hg19) VCF-style: chr19-55668474-G-T.
Other names: short protein forms P18T.
Identifiers: ClinVar variation 808655 (VCV000808655.19), dbSNP rs779416591, ClinGen allele CA051703.
Genomic context (GRCh38, chr19:55,157,106, plus strand): 5'-CCACCTTGGCGTGCGGCTCCGTGGCATAAGCGCGGTAGTTGGAGGAGCGGCGTCTGATTG[G>T]GGCTGGTGCAGGGCGAGGTTCCCTAGCCTGGGTTAGGAGGAGTGGGGACCCCATCACCAC-3'
Protein context (NP_000354.4, residues 8-28): AAREPRPAPA[Pro18Thr]IRRRSSNYRA

ClinVar aggregate classification (germline): Uncertain significance (1 of 4 stars; one submission).

Conditions:
Hypertrophic cardiomyopathy. Also called: HYPERTROPHIC MYOCARDIOPATHY. Identifiers: Orphanet 217569, MedGen C0007194, MeSH D002312, MONDO:0005045, HP:0001639.

Allele frequency attached by ClinVar (database versions not stated): gnomAD 0.00001; gnomAD exomes 0.00001; TOPMed 0.00001; ExAC 0.00003.
gnomAD v4.1: 19 of 1,602,976 alleles (0.0012%); highest among the groups gnomAD compares: Non-Finnish European, 0.0016%; no homozygotes.

Submission:

Labcorp Genetics (formerly Invitae), Labcorp
Classification: Uncertain significance for Hypertrophic cardiomyopathy. Last evaluated: 2022-04-04. Review status: criteria provided, single submitter. Criteria: Invitae Variant Classification Sherloc (09022015). Collection method: clinical testing. Allele origin: germline.
Comment: This sequence change replaces proline, which is neutral and non-polar, with threonine, which is neutral and polar, at codon 18 of the TNNI3 protein (p.Pro18Thr). ClinVar contains an entry for this variant (Variation ID: 808655). In summary, the available evidence is currently insufficient to determine the role of this variant in disease. Therefore, it has been classified as a Variant of Uncertain Significance. Algorithms developed to predict the effect of missense changes on protein structure and function are either unavailable or do not agree on the potential impact of this missense change (SIFT: "Deleterious"; PolyPhen-2: "Not Available"; Align-GVGD: "Class C0"). This variant has not been reported in the literature in individuals affected with TNNI3-related conditions. The frequency data for this variant in the population databases is considered unreliable, as metrics indicate poor data quality at this position in the gnomAD database.